The following is an entry in ClinVar:

NM_001298.3(CNGA3):c.910G>C (p.Gly304Arg)

Gene: CNGA3 (cyclic nucleotide gated channel subunit alpha 3; plus strand). Cytogenetic location: 2q11.2.
Variant type: single nucleotide variant.
Coding change: c.910G>C on transcript NM_001298.3 (MANE Select); coding-DNA position 910, G replaced by C.
Protein change: p.Gly304Arg; replaces glycine 304 with arginine.
Molecular consequence: missense variant.
Genome position (GRCh38, 1-based): chr2:98,396,080, G>C. VCF-style: chr2-98396080-G-C. GRCh37 (hg19) VCF-style: chr2-99012543-G-C.
Other names: NC_000002.11:g.99012543G>C; NP_001289.1:p.(Gly304Arg); c.856G>C, p.Gly286Arg (NM_001079878.2); short protein forms G286R, G304R.
Identifiers: ClinVar variation 2577508 (VCV002577508.2), dbSNP rs2467028405, ClinGen allele CA347832406.

ClinVar aggregate classification (germline): Likely pathogenic (1 of 4 stars; one submission).

Conditions:
Cone-rod dystrophy. Also called: Cone-rod degeneration; Cone/cone-rod dystrophy. Identifiers: Orphanet 1872, MedGen C4085590, MONDO:0015993, HP:0000548.

Submission:

Ophthalmic Genetics Group, Institute of Molecular and Clinical Ophthalmology Basel
Classification: Likely pathogenic for Cone-rod dystrophy. Last evaluated: 2023-07-24. Review status: criteria provided, single submitter. Criteria: ACMG Guidelines, 2015. Collection method: research. Allele origin: germline. Affected: yes. Observed: 1 variant allele.
Comment: Clinical significance based on ACMG v2.0

This variant was classified as Likely pathogenic based on ACMG criteria: PM2, PM1, PP2, PM3.

Literature cited by the submitters: PubMed 36909829.